The following is an entry in ClinVar:

NM_000135.4(FANCA):c.977A>G (p.Gln326Arg)

Gene: FANCA (FA complementation group A; minus strand). Cytogenetic location: 16q24.3.
Variant type: single nucleotide variant.
Coding change: c.977A>G on transcript NM_000135.4 (MANE Select); coding-DNA position 977, A replaced by G.
Protein change: p.Gln326Arg; replaces glutamine 326 with arginine.
Molecular consequence: missense variant.
Genome position (GRCh38, 1-based): chr16:89,795,935, T>C on the plus strand (A>G on the coding strand, the complement: FANCA is on the minus strand). VCF-style: chr16-89795935-T-C. GRCh37 (hg19) VCF-style: chr16-89862343-T-C.
Other names: c.977A>G, p.Gln326Arg (NM_001286167.3); short protein forms Q326R.
Identifiers: ClinVar variation 3572410 (VCV003572410.1).

ClinVar aggregate classification (germline): Uncertain significance (1 of 4 stars; one submission).

gnomAD v4.1: 4 of 1,614,080 alleles (0.00025%); highest among the groups gnomAD compares: Admixed American, 0.005%; no homozygotes.

Submission:

Quest Diagnostics Nichols Institute San Juan Capistrano
Classification: Uncertain significance. Last evaluated: 2024-11-05. Review status: criteria provided, single submitter. Criteria: Quest Diagnostics criteria. Collection method: clinical testing. Allele origin: unknown.
Comment: The FANCA c.977A>G (p.Gln326Arg) variant has been reported in the published literature in an individual with breast cancer (PMID: 35884425 (2022)). The frequency of this variant in the general population, 0.000087 (3/34592 chromosomes (Genome Aggregation Database)), is uninformative in the assessment of its pathogenicity. Analysis of this variant using bioinformatics tools for the prediction of the effect of amino acid changes on protein structure and function yielded conflicting predictions that this variant is benign or damaging. Based on the available information, we are unable to determine the clinical significance of this variant.

Literature cited by the submitters: PubMed 35884425.